The following is an entry in ClinVar:

NM_002474.3(MYH11):c.5172-286C>G

Genes: MYH11 (myosin heavy chain 11; minus strand), NDE1 (nudE neurodevelopment protein 1; plus strand). Cytogenetic location: 16p13.11.
Variant type: single nucleotide variant.
Coding change: c.5172-286C>G on transcript NM_002474.3 (MANE Select); 286 bases into the intron before coding-DNA position 5172, C replaced by G.
Molecular consequence: intron variant.
Genome position (GRCh38, 1-based): chr16:15,718,724, G>C on the plus strand (C>G on the coding strand, the complement: MYH11 is on the minus strand). VCF-style: chr16-15718724-G-C. GRCh37 (hg19) VCF-style: chr16-15812581-G-C.
Other names: c.948-5467G>C (NM_001143979.2, NM_017668.3); c.5172-286C>G (NM_022844.3); c.5193-286C>G (NM_001040114.2, NM_001040113.2).
Identifiers: ClinVar variation 680667 (VCV000680667.1), dbSNP rs116923731, ClinGen allele CA278596390.
Genomic context (GRCh38, chr16:15,718,724, plus strand): 5'-ACACTCCTCCCTGACTCTTCCTGGCCTCCCCTTCTCCCCACACAGCTACTTATTGGGAAT[G>C]AATGAAAGCAGCCACACCCCCAAACAGGCATGAAAGCGCTGACGGAAAACCTAACCACCA-3'

ClinVar aggregate classification (germline): Likely benign (1 of 4 stars; one submission).

Allele frequency attached by ClinVar (database versions not stated): 1000 Genomes Project 0.00260; 1000 Genomes Project 30x 0.00265; TOPMed 0.00658; gnomAD 0.00724 and 0.00757; gnomAD exomes 0.00884.
gnomAD v4.1: 4,412 of 527,390 alleles (0.84%); highest among the groups gnomAD compares: Non-Finnish European, 1.2%; 20 homozygotes.

Submission:

GeneDx
Classification: Likely benign. Last evaluated: 2018-06-19. Review status: criteria provided, single submitter. Criteria: GeneDx Variant Classification (06012015). Collection method: clinical testing. Allele origin: germline. Affected: yes.
Comment: This variant is considered likely benign or benign based on one or more of the following criteria: it is a conservative change, it occurs at a poorly conserved position in the protein, it is predicted to be benign by multiple in silico algorithms, and/or has population frequency not consistent with disease.